The following is an entry in ClinVar:

NM_002470.4(MYH3):c.4101T>A (p.Ser1367Arg)

Gene: MYH3 (myosin heavy chain 3; minus strand). Cytogenetic location: 17p13.1.
Variant type: single nucleotide variant.
Coding change: c.4101T>A on transcript NM_002470.4 (MANE Select); coding-DNA position 4101, T replaced by A.
Protein change: p.Ser1367Arg; replaces serine 1367 with arginine.
Molecular consequence: missense variant.
Genome position (GRCh38, 1-based): chr17:10,635,438, A>T on the plus strand (T>A on the coding strand, the complement: MYH3 is on the minus strand). VCF-style: chr17-10635438-A-T. GRCh37 (hg19) VCF-style: chr17-10538755-A-T.
Other names: short protein forms S1367R.
Identifiers: ClinVar variation 3603710 (VCV003603710.2).

ClinVar aggregate classification (germline): Uncertain significance (1 of 4 stars; one submission).

gnomAD v4.1: 11 of 1,613,946 alleles (0.00068%); highest among the groups gnomAD compares: Non-Finnish European, 0.00093%; no homozygotes.

Submission:

Labcorp Genetics (formerly Invitae), Labcorp
Classification: Uncertain significance. Last evaluated: 2024-03-16. Review status: criteria provided, single submitter. Criteria: Invitae Variant Classification Sherloc (09022015). Collection method: clinical testing. Allele origin: germline.
Comment: This sequence change replaces serine, which is neutral and polar, with arginine, which is basic and polar, at codon 1367 of the MYH3 protein (p.Ser1367Arg). This variant is not present in population databases (gnomAD no frequency). This variant has not been reported in the literature in individuals affected with MYH3-related conditions. Advanced modeling of protein sequence and biophysical properties (such as structural, functional, and spatial information, amino acid conservation, physicochemical variation, residue mobility, and thermodynamic stability) performed at Invitae indicates that this missense variant is not expected to disrupt MYH3 protein function with a negative predictive value of 95%. In summary, the available evidence is currently insufficient to determine the role of this variant in disease. Therefore, it has been classified as a Variant of Uncertain Significance.